The following is an entry in ClinVar:

NM_032217.5(ANKRD17):c.794A>G (p.Glu265Gly)

Gene: ANKRD17 (ankyrin repeat domain 17; minus strand). Cytogenetic location: 4q13.3.
Variant type: single nucleotide variant.
Coding change: c.794A>G on transcript NM_032217.5 (MANE Select); coding-DNA position 794, A replaced by G.
Protein change: p.Glu265Gly; replaces glutamic acid 265 with glycine.
Molecular consequence: missense variant.
Genome position (GRCh38, 1-based): chr4:73,156,077, T>C on the plus strand (A>G on the coding strand, the complement: ANKRD17 is on the minus strand). VCF-style: chr4-73156077-T-C. GRCh37 (hg19) VCF-style: chr4-74021794-T-C.
Other names: c.455A>G, p.Glu152Gly (NM_001286771.3); c.794A>G, p.Glu265Gly (NM_015574.2, NM_198889.3); short protein forms E152G, E265G.
Identifiers: ClinVar variation 3906482 (VCV003906482.1).

ClinVar aggregate classification (germline): Uncertain significance (1 of 4 stars; one submission).

Submission:

GeneDx
Classification: Uncertain significance. Last evaluated: 2024-12-23. Review status: criteria provided, single submitter. Criteria: GeneDx Variant Classification Process June 2021. Collection method: clinical testing. Allele origin: germline. Affected: yes.
Comment: Not observed at significant frequency in large population cohorts (gnomAD); In silico analysis supports that this missense variant has a deleterious effect on protein structure/function; Has not been previously published as pathogenic or benign to our knowledge